The following is an entry in ClinVar:

ClinVar aggregate classification (germline): Uncertain significance. Review status: criteria provided, multiple submitters, no conflicts (2 of 4 stars). 2 submissions from 2 submitters: Uncertain significance (2). Last evaluated 2025-10-12.

Conditions:
Inborn genetic diseases. Identifiers: MedGen C0950123, MeSH D030342.
RYR1-related disorder. Also called: RYR1-related condition; RYR1-related disorders. Identifiers: MedGen CN239331.

Allele frequency attached by ClinVar (database versions not stated): TOPMed below 0.00001; gnomAD 0.00001.
gnomAD v4.1: 1 of 1,614,020 alleles (0.000062%); highest among the groups gnomAD compares: Non-Finnish European, 0.000085%; no homozygotes.

Submissions (2):

Labcorp Genetics (formerly Invitae), Labcorp
Classification: Uncertain significance for RYR1-related disorder. Last evaluated: 2025-10-12. Review status: criteria provided, single submitter. Criteria: Invitae Variant Classification Sherloc (09022015). Collection method: clinical testing. Allele origin: germline.
Comment: This sequence change replaces serine, which is neutral and polar, with cysteine, which is neutral and slightly polar, at codon 318 of the RYR1 protein (p.Ser318Cys). This variant is not present in population databases (gnomAD no frequency). This variant has not been reported in the literature in individuals affected with RYR1-related conditions. ClinVar contains an entry for this variant (Variation ID: 2882974). Invitae Evidence Modeling of protein sequence and biophysical properties (such as structural, functional, and spatial information, amino acid conservation, physicochemical variation, residue mobility, and thermodynamic stability) indicates that this missense variant is expected to disrupt RYR1 protein function with a positive predictive value of 80%. In summary, the available evidence is currently insufficient to determine the role of this variant in disease. Therefore, it has been classified as a Variant of Uncertain Significance.

Ambry Genetics
Classification: Uncertain significance for Inborn genetic diseases. Last evaluated: 2025-02-08. Review status: criteria provided, single submitter. Criteria: Ambry Variant Classification Scheme 2023. Collection method: clinical testing. Allele origin: germline.

NM_000540.3(RYR1):c.953C>G (p.Ser318Cys)

Gene: RYR1 (ryanodine receptor 1; plus strand). Cytogenetic location: 19q13.2.
Variant type: single nucleotide variant.
Coding change: c.953C>G on transcript NM_000540.3 (MANE Select); coding-DNA position 953, C replaced by G.
Protein change: p.Ser318Cys; replaces serine 318 with cysteine.
Molecular consequence: missense variant.
Genome position (GRCh38, 1-based): chr19:38,448,507, C>G. VCF-style: chr19-38448507-C-G. GRCh37 (hg19) VCF-style: chr19-38939147-C-G.
Other names: c.953C>G, p.Ser318Cys (NM_001042723.2); short protein forms S318C.
Identifiers: ClinVar variation 2882974 (VCV002882974.4), dbSNP rs1966906320, ClinGen allele CA405682475.